The following is an entry in ClinVar:

NM_002591.4(PCK1):c.724G>A (p.Gly242Arg)

Gene: PCK1 (phosphoenolpyruvate carboxykinase 1; plus strand). Cytogenetic location: 20q13.31.
Variant type: single nucleotide variant.
Coding change: c.724G>A on transcript NM_002591.4 (MANE Select); coding-DNA position 724, G replaced by A.
Protein change: p.Gly242Arg; replaces glycine 242 with arginine.
Molecular consequence: missense variant.
Genome position (GRCh38, 1-based): chr20:57,563,141, G>A. VCF-style: chr20-57563141-G-A. GRCh37 (hg19) VCF-style: chr20-56138197-G-A.
Other names: c.724G>A (NM_002591.3); short protein forms G242R.
Identifiers: ClinVar variation 807457 (VCV000807457.6), dbSNP rs373906233, ClinGen allele CA9922132.

ClinVar aggregate classification (germline): Conflicting classifications of pathogenicity. Review status: criteria provided, conflicting classifications (1 of 4 stars). 3 submissions from 3 submitters: Likely pathogenic (1); Uncertain significance (2). Last evaluated 2024-11-04.

Conditions:
Inborn genetic diseases. Identifiers: MedGen C0950123, MeSH D030342.
Phosphoenolpyruvate carboxykinase deficiency, cytosolic (PCKDC). Also called: PCK1 DEFICIENCY, CYTOSOLIC; PEPCK DEFICIENCY, CYTOSOLIC. Identifiers: Orphanet 2880, MedGen C5574905, MONDO:0009866, OMIM 261680.

Allele frequency attached by ClinVar (database versions not stated): gnomAD exomes 0.00002; TOPMed 0.00003; gnomAD 0.00003; ESP Exome Variant Server 0.00015; ExAC 0.00002.
gnomAD v4.1: 103 of 1,613,688 alleles (0.0064%); highest among the groups gnomAD compares: Non-Finnish European, 0.0082%; no homozygotes.

Submissions (3):

Ambry Genetics
Classification: Uncertain significance for Inborn genetic diseases. Last evaluated: 2024-11-04. Review status: criteria provided, single submitter. Criteria: Ambry Variant Classification Scheme 2023. Collection method: clinical testing. Allele origin: germline.

Labcorp Genetics (formerly Invitae), Labcorp
Classification: Uncertain significance. Last evaluated: 2022-02-24. Review status: criteria provided, single submitter. Criteria: Invitae Variant Classification Sherloc (09022015). Collection method: clinical testing. Allele origin: germline.
Comment: This sequence change replaces glycine, which is neutral and non-polar, with arginine, which is basic and polar, at codon 242 of the PCK1 protein (p.Gly242Arg). This variant is present in population databases (rs373906233, gnomAD 0.005%). This missense change has been observed in individual(s) with cytosolic phosphoenolpyruvate carboxykinase deficiency (PMID: 33445193). ClinVar contains an entry for this variant (Variation ID: 807457). Algorithms developed to predict the effect of missense changes on protein structure and function (SIFT, PolyPhen-2, Align-GVGD) all suggest that this variant is likely to be disruptive. In summary, the available evidence is currently insufficient to determine the role of this variant in disease. Therefore, it has been classified as a Variant of Uncertain Significance.

Institute of Human Genetics Munich, TUM University Hospital
Classification: Likely pathogenic for Phosphoenolpyruvate carboxykinase deficiency, cytosolic. Last evaluated: 2019-09-02. Review status: criteria provided, single submitter. Criteria: Classification criteria August 2017. Collection method: clinical testing. Allele origin: paternal. Inheritance: Autosomal recessive inheritance. Affected: yes. Observed: 1 compound heterozygote.

Literature cited by the submitters: PubMed 33445193 (cited by Ambry Genetics and Labcorp Genetics (formerly Invitae), Labcorp).